The following is an entry in ClinVar:

ClinVar aggregate classification (germline): Uncertain significance. Review status: criteria provided, single submitter (1 of 4 stars). 2 submissions from 2 submitters: Uncertain significance (1). 1 of the submissions does not count toward it. Last evaluated 2023-01-19.

Allele frequency attached by ClinVar (database versions not stated): gnomAD exomes below 0.00001.
gnomAD v4.1: 2 of 1,613,898 alleles (0.00012%); highest among the groups gnomAD compares: Non-Finnish European, 0.00017%; no homozygotes.

Submissions (2):

Quest Diagnostics Nichols Institute San Juan Capistrano
Classification: Uncertain significance. Last evaluated: 2023-01-19. Review status: criteria provided, single submitter. Criteria: Quest Diagnostics criteria. Collection method: clinical testing. Allele origin: unknown.
Comment: It has not been reported in large, multi-ethnic general populations. Published experimental studies have shown that this variant reduces proteolytic cleavage of VWF protein at A2 domain specially under denaturing condition (PMIDs: 16221672 (2006) and 29186156 (2017)). Analysis of this variant using bioinformatics tools for the prediction of the effect of amino acid changes on protein structure and function yielded predictions that this variant is damaging. Additional analysis using software algorithms for the prediction of the effect of nucleotide changes on VWF mRNA splicing yielded predictions that this variant may result in the gain of a cryptic splice site without affecting the natural splice sites . Based on the available information, we are unable to determine the clinical significance of this variant.

Academic Unit of Haematology, University of Sheffield
No classification provided. Review status: no classification provided. Collection method: not provided. Allele origin: not provided. Not counted in ClinVar's aggregate classification.

Literature cited by the submitters: PubMed 19506362 (cited by Quest Diagnostics Nichols Institute San Juan Capistrano); PubMed 29186156 (cited by Quest Diagnostics Nichols Institute San Juan Capistrano); PubMed 16221672 (cited by Quest Diagnostics Nichols Institute San Juan Capistrano); PubMed 19541819 (cited by Quest Diagnostics Nichols Institute San Juan Capistrano); PubMed 19470641 (cited by Quest Diagnostics Nichols Institute San Juan Capistrano); PubMed 27443694 (cited by Quest Diagnostics Nichols Institute San Juan Capistrano).

NM_000552.5(VWF):c.4841A>G (p.Asp1614Gly)

Gene: VWF (von Willebrand factor; minus strand). Cytogenetic location: 12p13.31.
Variant type: single nucleotide variant.
Coding change: c.4841A>G on transcript NM_000552.5 (MANE Select); coding-DNA position 4841, A replaced by G.
Protein change: p.Asp1614Gly; replaces aspartic acid 1614 with glycine.
Molecular consequence: missense variant.
Genome position (GRCh38, 1-based): chr12:6,018,577, T>C on the plus strand (A>G on the coding strand, the complement: VWF is on the minus strand). VCF-style: chr12-6018577-T-C. GRCh37 (hg19) VCF-style: chr12-6127743-T-C.
Other names: c.4841A>G (NM_000552.4); short protein forms D1614G.
Identifiers: ClinVar variation 100396 (VCV000100396.2), dbSNP rs61750582, ClinGen allele CA228667.